The following is an entry in ClinVar:

NM_019066.5(MAGEL2):c.949_970delinsG (p.Gln317_Gln324delinsGlu)

Gene: MAGEL2 (MAGE family member L2; minus strand). Cytogenetic location: 15q11.2.
Variant type: Indel.
Coding change: c.949_970delinsG on transcript NM_019066.5 (MANE Select); coding-DNA positions 949 to 970, CAGCCGATGGCCCCACCTGCAC replaced by G.
Protein change: p.Gln317_Gln324delinsGlu.
Molecular consequence: inframe indel.
Genome position (GRCh38, 1-based): chr15:23,646,773-23,646,794, GTGCAGGTGGGGCCATCGGCTG replaced by C on the plus strand (CAGCCGATGGCCCCACCTGCAC replaced by G on the coding strand, the reverse complement: MAGEL2 is on the minus strand). VCF-style: chr15-23646773-GTGCAGGTGGGGCCATCGGCTG-C. GRCh37 (hg19) VCF-style: chr15-23891920-GTGCAGGTGGGGCCATCGGCTG-C.
Identifiers: ClinVar variation 3348637 (VCV003348637.1).

ClinVar aggregate classification (germline): Uncertain significance (0 of 4 stars; one submission).

Conditions:
MAGEL2-related disorder. Also called: MAGEL2-related condition.

Submission:

PreventionGenetics, part of Exact Sciences
Classification: Uncertain significance for MAGEL2-related condition. Last evaluated: 2024-03-21. Review status: no assertion criteria provided. Collection method: clinical testing. Allele origin: germline.
Comment: The MAGEL2 c.949_970delinsG variant is predicted to result in an in-frame deletion and insertion. To our knowledge, this variant has not been reported in the literature or in a large population database, indicating this variant is rare. At this time, the clinical significance of this variant is uncertain due to the absence of conclusive functional and genetic evidence.